The following is an entry in ClinVar:

ClinVar aggregate classification (germline): Uncertain significance (1 of 4 stars; one submission).

Conditions:
Cornelia de Lange syndrome 5 (CDLS5). Also called: HDAC8-Related Cornelia de Lange Syndrome. Identifiers: Orphanet 199, MedGen C3550903, MONDO:0010471, OMIM 300882.

Submission:

Labcorp Genetics (formerly Invitae), Labcorp
Classification: Uncertain significance for Cornelia de Lange syndrome 5. Last evaluated: 2021-07-25. Review status: criteria provided, single submitter. Criteria: Invitae Variant Classification Sherloc (09022015). Collection method: clinical testing. Allele origin: germline.
Comment: In summary, the available evidence is currently insufficient to determine the role of this variant in disease. Therefore, it has been classified as a Variant of Uncertain Significance. Advanced modeling of protein sequence and biophysical properties (such as structural, functional, and spatial information, amino acid conservation, physicochemical variation, residue mobility, and thermodynamic stability) performed at Invitae indicates that this missense variant is expected to disrupt HDAC8 protein function. This variant has not been reported in the literature in individuals affected with HDAC8-related conditions. This variant is not present in population databases (ExAC no frequency). This sequence change replaces glycine with aspartic acid at codon 305 of the HDAC8 protein (p.Gly305Asp). The glycine residue is highly conserved and there is a moderate physicochemical difference between glycine and aspartic acid.

NM_018486.3(HDAC8):c.914G>A (p.Gly305Asp)

Gene: HDAC8 (histone deacetylase 8; minus strand). Cytogenetic location: Xq13.1.
Variant type: single nucleotide variant.
Coding change: c.914G>A on transcript NM_018486.3 (MANE Select); coding-DNA position 914, G replaced by A.
Protein change: p.Gly305Asp; replaces glycine 305 with aspartic acid.
Molecular consequence: missense variant. On other transcripts: non-coding transcript variant (1).
Genome position (GRCh38, 1-based): chrX:72,462,095, C>T on the plus strand (G>A on the coding strand, the complement: HDAC8 is on the minus strand). VCF-style: chrX-72462095-C-T. GRCh37 (hg19) VCF-style: chrX-71681945-C-T.
Other names: c.641G>A, p.Gly214Asp (NM_001166418.2); short protein forms G305D, G214D.
Identifiers: ClinVar variation 1369648 (VCV001369648.8), dbSNP rs2148039310, ClinGen allele CA413642445.